The following is an entry in ClinVar:

NM_173477.5(USH1G):c.607C>G (p.Gln203Glu)

Gene: USH1G (USH1 protein network component sans; minus strand). Cytogenetic location: 17q25.1.
Variant type: single nucleotide variant.
Coding change: c.607C>G on transcript NM_173477.5 (MANE Select); coding-DNA position 607, C replaced by G.
Protein change: p.Gln203Glu; replaces glutamine 203 with glutamic acid.
Molecular consequence: missense variant.
Genome position (GRCh38, 1-based): chr17:74,920,229, G>C on the plus strand (C>G on the coding strand, the complement: USH1G is on the minus strand). VCF-style: chr17-74920229-G-C. GRCh37 (hg19) VCF-style: chr17-72916324-G-C.
Other names: c.298C>G, p.Gln100Glu (NM_001282489.3); short protein forms Q203E, Q100E.
Identifiers: ClinVar variation 179478 (VCV000179478.12), dbSNP rs727504890, ClinGen allele CA184503.
Genomic context (GRCh38, chr17:74,920,229, plus strand): 5'-GCCGCTCCAGCTTCTTCTGCATCTTGGTCTTGCCCCTGGCCGTGCCGTGCAGCGTGGCCT[G>C]AGAGTACGGCAGGTGGCTGCCCAGCGCCAGATGCTGCAGCCGGCGGCTCAGGGTGCTGGA-3'
Protein context (NP_775748.2, residues 193-213): LALGSHLPYS[Gln203Glu]ATLHGTARGK

ClinVar aggregate classification (germline): Uncertain significance. Review status: criteria provided, multiple submitters, no conflicts (2 of 4 stars). 2 submissions from 2 submitters: Uncertain significance (2). Last evaluated 2020-06-02.

Submissions (2):

Labcorp Genetics (formerly Invitae), Labcorp
Classification: Uncertain significance. Last evaluated: 2020-06-02. Review status: criteria provided, single submitter. Criteria: Invitae Variant Classification Sherloc (09022015). Collection method: clinical testing. Allele origin: germline.
Comment: This sequence change replaces glutamine with glutamic acid at codon 203 of the USH1G protein (p.Gln203Glu). The glutamine residue is moderately conserved and there is a small physicochemical difference between glutamine and glutamic acid. This variant is not present in population databases (ExAC no frequency). This variant has not been reported in the literature in individuals with USH1G-related conditions. ClinVar contains an entry for this variant (Variation ID: 179478). Algorithms developed to predict the effect of missense changes on protein structure and function are either unavailable or do not agree on the potential impact of this missense change (SIFT: "Not Available"; PolyPhen-2: "Benign"; Align-GVGD: "Not Available"). In summary, the available evidence is currently insufficient to determine the role of this variant in disease. Therefore, it has been classified as a Variant of Uncertain Significance.

Laboratory for Molecular Medicine, Mass General Brigham Personalized Medicine
Classification: Uncertain significance. Last evaluated: 2014-03-04. Review status: criteria provided, single submitter. Criteria: LMM Criteria. Collection method: clinical testing. Allele origin: germline. Observed: 1 variant allele.
Comment: The Gln203Glu variant in USH1G has not been previously reported in individuals w ith hearing loss. Data from large population studies is insufficient to assess t he frequency of this variant. Computational analyses (biochemical amino acid pro perties, conservation, AlignGVGD, PolyPhen2, and SIFT) do not provide strong sup port for or against an impact to the protein. In summary, additional information is needed to fully assess the clinical significance of this variant.